The following is an entry in ClinVar:

ClinVar aggregate classification (germline): Likely benign. Review status: criteria provided, multiple submitters, no conflicts (2 of 4 stars). 2 submissions from 2 submitters: Likely benign (2). Last evaluated 2025-09-01.

Conditions:
Spastic paraplegia. Identifiers: MedGen C0037772, HP:0001258.

gnomAD v4.1: 9 of 1,614,114 alleles (0.00056%); highest among the groups gnomAD compares: South Asian, 0.0022%; no homozygotes.

Submissions (2):

CeGaT Center for Human Genetics Tuebingen
Classification: Likely benign. Last evaluated: 2025-09-01. Review status: criteria provided, single submitter. Criteria: CeGaT Center For Human Genetics Tuebingen Variant Classification Criteria Version 2. Collection method: clinical testing. Allele origin: germline. Affected: yes. Observed: 1 variant allele.
Comment: SACS: BP4, BP7

Labcorp Genetics (formerly Invitae), Labcorp
Classification: Likely benign for Spastic paraplegia. Last evaluated: 2023-04-25. Review status: criteria provided, single submitter. Criteria: Invitae Variant Classification Sherloc (09022015). Collection method: clinical testing. Allele origin: germline.

NM_014363.6(SACS):c.5451G>A (p.Thr1817=)

Gene: SACS (sacsin molecular chaperone; minus strand). Cytogenetic location: 13q12.12.
Variant type: single nucleotide variant.
Coding change: c.5451G>A on transcript NM_014363.6 (MANE Select); coding-DNA position 5451, G replaced by A.
Protein change: p.Thr1817=; no amino-acid change (threonine 1817 retained).
Molecular consequence: synonymous variant.
Genome position (GRCh38, 1-based): chr13:23,338,425, C>T on the plus strand (G>A on the coding strand, the complement: SACS is on the minus strand). VCF-style: chr13-23338425-C-T. GRCh37 (hg19) VCF-style: chr13-23912564-C-T.
Other names: c.5010G>A, p.Thr1670= (NM_001278055.2).
Identifiers: ClinVar variation 1597204 (VCV001597204.15), dbSNP rs1255397727, ClinGen allele CA483162077.